The following is an entry in ClinVar:

ClinVar aggregate classification (germline): Pathogenic (1 of 4 stars; one submission).

Conditions:
Duchenne muscular dystrophy (DMD). Also called: Duchenne Muscular Dystrophy (DMD); MUSCULAR DYSTROPHY, PSEUDOHYPERTROPHIC PROGRESSIVE, DUCHENNE TYPE. Identifiers: Orphanet 98896, MedGen C0013264, MONDO:0010679, OMIM 310200.

Submission:

Labcorp Genetics (formerly Invitae), Labcorp
Classification: Pathogenic for Duchenne muscular dystrophy. Last evaluated: 2019-10-08. Review status: criteria provided, single submitter. Criteria: Invitae Variant Classification Sherloc (09022015). Collection method: clinical testing. Allele origin: germline.
Comment: This variant is an in-frame deletion of the genomic region encompassing exons 3-25 of the DMD gene. It preserves the integrity of the reading frame. This variant has been observed in an individual affected with Duchenne muscular dystrophy (PMID: 19937601). Sub-genic deletion of exon 13 has been determined to be pathogenic (PMID: 18353051, 22379338, 28116794, 28610567). Therefore, deletions that fully encompass that region are also expected to be pathogenic. For these reasons, this variant has been classified as Pathogenic.

Literature cited by the submitters: PubMed 18353051; PubMed 28610567; PubMed 22379338; PubMed 19937601; PubMed 28116794.

NC_000023.11:g.(?_32461199)_(32849830_?)del

Gene: DMD (dystrophin; minus strand). Cytogenetic location: Xp21.1.
Variant type: Deletion.
Identifiers: ClinVar variation 832986 (VCV000832986.1).